The following is an entry in ClinVar:

ClinVar aggregate classification (germline): Likely pathogenic (1 of 4 stars; one submission).

Conditions:
CNOT1-related disorder. Also called: CNOT1-related condition.

Submission:

3billion
Classification: Likely pathogenic for CNOT1-related disorder. Last evaluated: 2024-06-16. Review status: criteria provided, single submitter. Criteria: ACMG Guidelines, 2015. Collection method: clinical testing. Allele origin: germline. Affected: yes.
Comment: The variant is not observed in the gnomAD v4.0.0 dataset. Predicted Consequence/Location: Stop-gained (nonsense): predicted to result in a loss or disruption of normal protein function through nonsense-mediated decay (NMD) or protein truncation. Multiple pathogenic variants are reported downstream of the variant. Therefore, this variant is classified as Likely pathogenic according to the recommendation of ACMG/AMP guideline.

NM_016284.5(CNOT1):c.1272T>G (p.Tyr424Ter)

Gene: CNOT1 (CCR4-NOT transcription complex subunit 1; minus strand). Cytogenetic location: 16q21.
Variant type: single nucleotide variant.
Coding change: c.1272T>G on transcript NM_016284.5 (MANE Select); coding-DNA position 1272, T replaced by G.
Protein change: p.Tyr424Ter; replaces tyrosine 424 with a stop codon.
Molecular consequence: nonsense. On other transcripts: non-coding transcript variant (1).
Genome position (GRCh38, 1-based): chr16:58,580,704, A>C on the plus strand (T>G on the coding strand, the complement: CNOT1 is on the minus strand). VCF-style: chr16-58580704-A-C. GRCh37 (hg19) VCF-style: chr16-58614608-A-C.
Other names: c.1272T>G, p.Tyr424Ter (NM_001265612.2, NM_206999.3); short protein forms Y424*.
Identifiers: ClinVar variation 4292734 (VCV004292734.1).